The following is an entry in ClinVar:

ClinVar aggregate classification (germline): Likely benign (1 of 4 stars; one submission).

Allele frequency attached by ClinVar (database versions not stated): 1000 Genomes Project 30x 0.00062; ESP Exome Variant Server 0.00064; TOPMed 0.00065; 1000 Genomes Project 0.00080; gnomAD exomes 0.00091; ExAC 0.00104; gnomAD 0.00109.

Submission:

CeGaT Center for Human Genetics Tuebingen
Classification: Likely benign. Last evaluated: 2023-05-01. Review status: criteria provided, single submitter. Criteria: CeGaT Center For Human Genetics Tuebingen Variant Classification Criteria Version 2. Collection method: clinical testing. Allele origin: germline. Affected: yes. Observed: 1 variant allele.
Comment: MUC16: BP4, BP7

NM_001401501.2(MUC16):c.20601T>C (p.Thr6867=)

Gene: MUC16 (mucin 16, cell surface associated; minus strand). Cytogenetic location: 19p13.2.
Variant type: single nucleotide variant.
Coding change: c.20601T>C on transcript NM_001401501.2 (MANE Select); coding-DNA position 20601, T replaced by C.
Protein change: p.Thr6867=; no amino-acid change (threonine 6867 retained).
Molecular consequence: synonymous variant.
Genome position (GRCh38, 1-based): chr19:8,956,289, A>G on the plus strand (T>C on the coding strand, the complement: MUC16 is on the minus strand). VCF-style: chr19-8956289-A-G. GRCh37 (hg19) VCF-style: chr19-9066965-A-G.
Other names: c.21027T>C, p.Thr7009= (NM_001414686.1); c.20481T>C, p.Thr6827= (NM_001414687.1, NM_024690.2).
Identifiers: ClinVar variation 2649247 (VCV002649247.24), dbSNP rs191423546, ClinGen allele CA9169261.